The following is an entry in ClinVar:

ClinVar aggregate classification (germline): Conflicting classifications of pathogenicity. Review status: criteria provided, conflicting classifications (1 of 4 stars). 3 submissions from 3 submitters: Uncertain significance (1); Likely benign (1). 1 of the submissions does not count toward it. Last evaluated 2024-08-12.

Conditions:
RAI1-related disorder. Also called: RAI1-related condition.
Inborn genetic diseases. Identifiers: MedGen C0950123, MeSH D030342.

Allele frequency attached by ClinVar (database versions not stated): ExAC 0.00001; gnomAD exomes 0.00001; ESP Exome Variant Server 0.00008; TOPMed 0.00009; gnomAD 0.00013 and 0.00015.
gnomAD v4.1: 33 of 1,613,314 alleles (0.002%); highest among the groups gnomAD compares: African/African-American, 0.044%; no homozygotes.

Submissions (3):

Labcorp Genetics (formerly Invitae), Labcorp
Classification: Uncertain significance. Last evaluated: 2024-08-12. Review status: criteria provided, single submitter. Criteria: Invitae Variant Classification Sherloc (09022015). Collection method: clinical testing. Allele origin: germline.
Comment: This sequence change replaces asparagine, which is neutral and polar, with aspartic acid, which is acidic and polar, at codon 425 of the RAI1 protein (p.Asn425Asp). This variant is present in population databases (rs142539314, gnomAD 0.03%). This variant has not been reported in the literature in individuals affected with RAI1-related conditions. ClinVar contains an entry for this variant (Variation ID: 1496967). Advanced modeling of protein sequence and biophysical properties (such as structural, functional, and spatial information, amino acid conservation, physicochemical variation, residue mobility, and thermodynamic stability) performed at Invitae indicates that this missense variant is not expected to disrupt RAI1 protein function with a negative predictive value of 80%. In summary, the available evidence is currently insufficient to determine the role of this variant in disease. Therefore, it has been classified as a Variant of Uncertain Significance.

Ambry Genetics
Classification: Likely benign for Inborn genetic diseases. Last evaluated: 2019-06-18. Review status: criteria provided, single submitter. Criteria: Ambry Variant Classification Scheme 2023. Collection method: clinical testing. Allele origin: germline.

PreventionGenetics, part of Exact Sciences
Classification: Uncertain significance for RAI1-related condition. Last evaluated: 2024-06-14. Review status: no assertion criteria provided. Collection method: clinical testing. Allele origin: germline. Not counted in ClinVar's aggregate classification.
Comment: The RAI1 c.1273A>G variant is predicted to result in the amino acid substitution p.Asn425Asp. To our knowledge, this variant has not been reported in the literature. This variant is reported in 0.024% of alleles in individuals of African descent in gnomAD, which is likely too common to be a primary cause of disease. Although we suspect this variant may be benign, at this time, the clinical significance is uncertain due to the absence of conclusive functional and genetic evidence.

NM_030665.4(RAI1):c.1273A>G (p.Asn425Asp)

Gene: RAI1 (retinoic acid induced 1; plus strand). Cytogenetic location: 17p11.2.
Variant type: single nucleotide variant.
Coding change: c.1273A>G on transcript NM_030665.4 (MANE Select); coding-DNA position 1273, A replaced by G.
Protein change: p.Asn425Asp; replaces asparagine 425 with aspartic acid.
Molecular consequence: missense variant.
Genome position (GRCh38, 1-based): chr17:17,794,221, A>G. VCF-style: chr17-17794221-A-G. GRCh37 (hg19) VCF-style: chr17-17697535-A-G.
Other names: short protein forms N425D.
Identifiers: ClinVar variation 1496967 (VCV001496967.10), dbSNP rs142539314, ClinGen allele CA8418299.
Genomic context (GRCh38, chr17:17,794,221, plus strand): 5'-AGCTCTGTGGACACCCAGGCTGGCAACTGCAAGCCCCTTCAGAAGGACAAGCTCCCTGAG[A>G]ACCTGCTGTCGGATCTCAGCCTGCAGAGCCTCACGGCGCTGACCTCACAGGTGGAGAACA-3'
Protein context (NP_109590.3, residues 415-435): KPLQKDKLPE[Asn425Asp]LLSDLSLQSL